The following is an entry in ClinVar:

NM_002294.3(LAMP2):c.489TGT[1] (p.Val165del)

Gene: LAMP2 (lysosome associated membrane protein 2; minus strand). Cytogenetic location: Xq24.
Variant type: Microsatellite.
Coding change: c.489TGT[1] on transcript NM_002294.3 (MANE Select); one copy of the 3-base unit TGT starting at c.489; the reference has two copies in a row; one copy, 3 bases deleted.
Protein change: p.Val165del; deletes valine 165.
Genome position (GRCh38, 1-based): chrX:120,449,032-120,449,034, ACA deleted on the plus strand (TGT on the coding strand, the reverse complement: LAMP2 is on the minus strand); deleting any 3 consecutive bases within chrX:120,449,032-120,449,037 gives the same sequence; the position shown is the placement nearest the transcript's 3' end. VCF-style (leftmost placement, unchanged base first): chrX-120449031-GACA-G. GRCh37 (hg19) VCF-style: chrX-119582886-GACA-G.
Other names: c.489TGT[1], p.Val165del (NM_001122606.1, NM_013995.2); short protein forms V165del.
Identifiers: ClinVar variation 4811920 (VCV004811920.1).

ClinVar aggregate classification (germline): Uncertain significance (1 of 4 stars; one submission).

Conditions:
Danon disease. Also called: ANTOPOL DISEASE; PSEUDOGLYCOGENOSIS II; GSD IIb; LYSOSOMAL GLYCOGEN STORAGE DISEASE WITHOUT ACID MALTASE DEFICIENCY; Glycogen Storage Disease Type IIb. Identifiers: Orphanet 34587, MedGen C0878677, MONDO:0010281, OMIM 300257.

Submission:

Labcorp Genetics (formerly Invitae), Labcorp
Classification: Uncertain significance for Danon disease. Last evaluated: 2026-01-01. Review status: criteria provided, single submitter. Criteria: Invitae Variant Classification Sherloc (09022015). Collection method: clinical testing. Allele origin: germline.
Comment: This variant, c.492_494del, results in the deletion of 1 amino acid(s) of the LAMP2 protein (p.Val165del), but otherwise preserves the integrity of the reading frame. This variant is not present in population databases (gnomAD no frequency). This variant has not been reported in the literature in individuals affected with LAMP2-related conditions. Experimental studies and prediction algorithms are not available or were not evaluated, and the functional significance of this variant is currently unknown. In summary, the available evidence is currently insufficient to determine the role of this variant in disease. Therefore, it has been classified as a Variant of Uncertain Significance.